The following is an entry in ClinVar:

NM_005157.6(ABL1):c.3348G>A (p.Lys1116=)

Gene: ABL1 (ABL proto-oncogene 1, non-receptor tyrosine kinase; plus strand). Cytogenetic location: 9q34.12.
Variant type: single nucleotide variant.
Coding change: c.3348G>A on transcript NM_005157.6 (MANE Select); coding-DNA position 3348, G replaced by A.
Protein change: p.Lys1116=; no amino-acid change (lysine 1116 retained).
Molecular consequence: synonymous variant.
Genome position (GRCh38, 1-based): chr9:130,885,638, G>A. VCF-style: chr9-130885638-G-A. GRCh37 (hg19) VCF-style: chr9-133761025-G-A.
Other names: c.3405G>A, p.Lys1135= (NM_007313.3).
Identifiers: ClinVar variation 2659616 (VCV002659616.27), dbSNP rs763656395, ClinGen allele CA5285914.

ClinVar aggregate classification (germline): Likely benign. Review status: criteria provided, multiple submitters, no conflicts (2 of 4 stars). 2 submissions from 2 submitters: Likely benign (2). Last evaluated 2025-08-30.

Allele frequency attached by ClinVar (database versions not stated): ExAC 0.00002; TOPMed 0.00006; gnomAD 0.00008.
gnomAD v4.1: 36 of 1,613,096 alleles (0.0022%); highest among the groups gnomAD compares: Non-Finnish European, 0.0028%; no homozygotes.

Submissions (2):

Labcorp Genetics (formerly Invitae), Labcorp
Classification: Likely benign. Last evaluated: 2025-08-30. Review status: criteria provided, single submitter. Criteria: Invitae Variant Classification Sherloc (09022015). Collection method: clinical testing. Allele origin: germline.

CeGaT Center for Human Genetics Tuebingen
Classification: Likely benign. Last evaluated: 2022-12-01. Review status: criteria provided, single submitter. Criteria: CeGaT Center For Human Genetics Tuebingen Variant Classification Criteria Version 2. Collection method: clinical testing. Allele origin: germline. Affected: yes. Observed: 1 variant allele.
Comment: ABL1: BP4, BP7